The following is an entry in ClinVar:

NM_002437.5(MPV17):c.20A>G (p.Tyr7Cys)

Genes: MPV17 (mitochondrial inner membrane protein MPV17; minus strand), LOC129933372 (ATAC-STARR-seq lymphoblastoid active region 15495; plus strand). Cytogenetic location: 2p23.3.
Variant type: single nucleotide variant.
Coding change: c.20A>G on transcript NM_002437.5 (MANE Select); coding-DNA position 20, A replaced by G.
Protein change: p.Tyr7Cys; replaces tyrosine 7 with cysteine.
Molecular consequence: missense variant.
Genome position (GRCh38, 1-based): chr2:27,322,498, T>C on the plus strand (A>G on the coding strand, the complement: MPV17 is on the minus strand). VCF-style: chr2-27322498-T-C. GRCh37 (hg19) VCF-style: chr2-27545365-T-C.
Other names: p.Y7C:TAC>TGC; short protein forms Y7C.
Identifiers: ClinVar variation 214661 (VCV000214661.12), dbSNP rs367838807, ClinGen allele CA324522.

ClinVar aggregate classification (germline): Uncertain significance. Review status: criteria provided, multiple submitters, no conflicts (2 of 4 stars). 5 submissions from 5 submitters: Uncertain significance (4). 1 of the submissions does not count toward it. Last evaluated 2025-11-19.

Conditions:
Mitochondrial DNA depletion syndrome 15 (hepatocerebral type) (MTDPS15). Also called: Hepatocerebral Mitochondrial DNA Depletion Syndrome. Identifiers: MedGen C4310690, MONDO:0014943, OMIM 617156.
MPV17-related disorder. Also called: MPV17-related condition; MPV17-related disorders. Identifiers: MedGen CN239328.

Allele frequency attached by ClinVar (database versions not stated): ExAC 0.00002; gnomAD exomes 0.00002 and 0.00003; gnomAD 0.00003; TOPMed 0.00003; ESP Exome Variant Server 0.00015.
gnomAD v4.1: 51 of 1,613,934 alleles (0.0032%); highest among the groups gnomAD compares: Non-Finnish European, 0.0041%; no homozygotes.

Submissions (5):

PreventionGenetics, part of Exact Sciences
Classification: Uncertain significance for MPV17-related condition. Last evaluated: 2025-11-19. Review status: criteria provided, single submitter. Criteria: ACMG Guidelines, 2015. Collection method: clinical testing. Allele origin: germline.
Comment: The MPV17 c.20A>G variant is predicted to result in the amino acid substitution p.Tyr7Cys. To our knowledge, this variant has not been reported in the literature. This variant is reported in 0.0047% of alleles in individuals of European (Non-Finnish) descent in gnomAD. At this time, the clinical significance of this variant is uncertain due to the absence of conclusive functional and genetic evidence.

GeneDx
Classification: Uncertain significance. Last evaluated: 2025-08-18. Review status: criteria provided, single submitter. Criteria: GeneDx Variant Classification Process June 2021. Collection method: clinical testing. Allele origin: germline. Affected: yes.
Comment: Has not been previously published as pathogenic or benign to our knowledge; Not observed at significant frequency in large population cohorts (gnomAD); In silico analysis supports that this missense variant has a deleterious effect on protein structure/function; Missense variants in this gene are a common cause of disease and they are underrepresented in the general population

Labcorp Genetics (formerly Invitae), Labcorp
Classification: Uncertain significance. Last evaluated: 2024-10-27. Review status: criteria provided, single submitter. Criteria: Invitae Variant Classification Sherloc (09022015). Collection method: clinical testing. Allele origin: germline.
Comment: This sequence change replaces tyrosine, which is neutral and polar, with cysteine, which is neutral and slightly polar, at codon 7 of the MPV17 protein (p.Tyr7Cys). This variant is present in population databases (rs367838807, gnomAD 0.004%). This variant has not been reported in the literature in individuals affected with MPV17-related conditions. ClinVar contains an entry for this variant (Variation ID: 214661). Invitae Evidence Modeling of protein sequence and biophysical properties (such as structural, functional, and spatial information, amino acid conservation, physicochemical variation, residue mobility, and thermodynamic stability) indicates that this missense variant is expected to disrupt MPV17 protein function with a positive predictive value of 95%. In summary, the available evidence is currently insufficient to determine the role of this variant in disease. Therefore, it has been classified as a Variant of Uncertain Significance.

Blueprint Genetics
Classification: Uncertain significance. Last evaluated: 2024-03-01. Review status: criteria provided, single submitter. Criteria: ACMG Guidelines, 2015. Collection method: clinical testing. Allele origin: germline.

Natera, Inc.
Classification: Uncertain significance for Mitochondrial DNA depletion syndrome, hepatocerebral form. Last evaluated: 2020-08-15. Review status: no assertion criteria provided. Collection method: clinical testing. Allele origin: germline. Not counted in ClinVar's aggregate classification.